The following is an entry in ClinVar:

ClinVar aggregate classification (germline): Uncertain significance (1 of 4 stars; one submission).

Submission:

Labcorp Genetics (formerly Invitae), Labcorp
Classification: Uncertain significance. Last evaluated: 2022-05-19. Review status: criteria provided, single submitter. Criteria: Invitae Variant Classification Sherloc (09022015). Collection method: clinical testing. Allele origin: germline.
Comment: In summary, the available evidence is currently insufficient to determine the role of this variant in disease. Therefore, it has been classified as a Variant of Uncertain Significance. Algorithms developed to predict the effect of sequence changes on RNA splicing suggest that this variant may create or strengthen a splice site. This variant has not been reported in the literature in individuals affected with DHX37-related conditions. This variant is not present in population databases (gnomAD no frequency). This sequence change falls in intron 1 of the DHX37 gene. It does not directly change the encoded amino acid sequence of the DHX37 protein.

NM_032656.4(DHX37):c.107-11_107-10del

Gene: DHX37 (DEAH-box helicase 37; minus strand). Cytogenetic location: 12q24.31.
Variant type: Microsatellite.
Coding change: c.107-11_107-10del on transcript NM_032656.4 (MANE Select); 11 bases into the intron before coding-DNA position 107 through 10 bases into the intron before coding-DNA position 107, 2 bases deleted (TG; older notation c.107-11_107-10delTG).
Molecular consequence: intron variant.
Genome position (GRCh38, 1-based): chr12:124,986,275-124,986,276, CA deleted on the plus strand (TG on the coding strand, the reverse complement: DHX37 is on the minus strand); deleting any 2 consecutive bases within chr12:124,986,275-124,986,278 gives the same sequence; the c. name uses the placement nearest the transcript's 3' end. VCF-style (leftmost placement, unchanged base first): chr12-124986274-GCA-G. GRCh37 (hg19) VCF-style: chr12-125470820-GCA-G.
Identifiers: ClinVar variation 1996281 (VCV001996281.4), dbSNP rs2547146578, ClinGen allele CA2575347696.